The following is an entry in ClinVar:

ClinVar aggregate classification (germline): Pathogenic (1 of 4 stars; one submission).

Allele frequency attached by ClinVar (database versions not stated): gnomAD exomes below 0.00001.

Submission:

Labcorp Genetics (formerly Invitae), Labcorp
Classification: Pathogenic. Last evaluated: 2022-09-16. Review status: criteria provided, single submitter. Criteria: Invitae Variant Classification Sherloc (09022015). Collection method: clinical testing. Allele origin: germline.
Comment: For these reasons, this variant has been classified as Pathogenic. This premature translational stop signal has been observed in individual(s) with thrombotic thrombocytopenic purpura (PMID: 30630232). This variant is not present in population databases (gnomAD no frequency). This sequence change creates a premature translational stop signal (p.Phe445Leufs*52) in the ADAMTS13 gene. It is expected to result in an absent or disrupted protein product. Loss-of-function variants in ADAMTS13 are known to be pathogenic (PMID: 11586351, 12753286, 21781265).

Literature cited by the submitters: PubMed 30630232; PubMed 11586351; PubMed 12753286; PubMed 21781265.

NM_139027.6(ADAMTS13):c.1335del (p.Phe445fs)

Gene: ADAMTS13 (ADAM metallopeptidase with thrombospondin type 1 motif 13; plus strand). Cytogenetic location: 9q34.2.
Variant type: Deletion.
Coding change: c.1335del on transcript NM_139027.6 (MANE Select); coding-DNA position 1335, one base deleted (C; older notation c.1335delC).
Protein change: p.Phe445fs; shifts the reading frame from phenylalanine 445.
Molecular consequence: frameshift variant.
Genome position (GRCh38, 1-based): chr9:133,436,855, C deleted. VCF-style (leftmost placement, unchanged base first): chr9-133436854-TC-T. GRCh37 (hg19) VCF-style: chr9-136301974-TC-T.
Other names: c.1335del, p.Phe445fs (NM_139025.5); c.1242del, p.Phe414fs (NM_139026.6); short protein forms F445fs, F414fs.
Identifiers: ClinVar variation 2128690 (VCV002128690.4), dbSNP rs2491199196, ClinGen allele CA2580079949.